The following is an entry in ClinVar:

ClinVar aggregate classification (germline): Likely benign. Review status: criteria provided, multiple submitters, no conflicts (2 of 4 stars). 2 submissions from 2 submitters: Likely benign (2). Last evaluated 2026-01-10.

Conditions:
Short-rib thoracic dysplasia 7 with or without polydactyly (SRTD7). Also called: Short rib polydactyly syndrome 5; SHORT-RIB THORACIC DYSPLASIA 7 WITH POLYDACTYLY. Identifiers: Orphanet 498497, Orphanet 93271, MedGen C3279792, MONDO:0013569, OMIM 614091.
Cranioectodermal dysplasia 2 (CED2). Identifiers: Orphanet 1515, MedGen C3150874, MONDO:0013323, OMIM 613610.
WDR35-related disorder. Also called: WDR35-related condition; WDR35-related disorders. Identifiers: MedGen CN239419.

Allele frequency attached by ClinVar (database versions not stated): gnomAD 0.00001; ExAC 0.00002; TOPMed 0.00003.
gnomAD v4.1: 29 of 1,613,976 alleles (0.0018%); highest among the groups gnomAD compares: East Asian, 0.0067%; no homozygotes.

Submissions (2):

PreventionGenetics, part of Exact Sciences
Classification: Likely benign for WDR35-related condition. Last evaluated: 2026-01-10. Review status: criteria provided, single submitter. Criteria: ACMG Guidelines, 2015. Collection method: clinical testing. Allele origin: germline.
Comment: This variant is classified as likely benign based on ACMG/AMP sequence variant interpretation guidelines (Richards et al. 2015 PMID: 25741868, with internal and published modifications).

Labcorp Genetics (formerly Invitae), Labcorp
Classification: Likely benign for Cranioectodermal dysplasia 2; Short-rib thoracic dysplasia 7 with or without polydactyly. Last evaluated: 2024-12-15. Review status: criteria provided, single submitter. Criteria: Invitae Variant Classification Sherloc (09022015). Collection method: clinical testing. Allele origin: germline.

NM_020779.4(WDR35):c.1302G>A (p.Ser434=)

Gene: WDR35 (WD repeat domain 35; minus strand). Cytogenetic location: 2p24.1.
Variant type: single nucleotide variant.
Coding change: c.1302G>A on transcript NM_020779.4 (MANE Select); coding-DNA position 1302, G replaced by A.
Protein change: p.Ser434=; no amino-acid change (serine 434 retained).
Molecular consequence: synonymous variant.
Genome position (GRCh38, 1-based): chr2:19,953,932, C>T on the plus strand (G>A on the coding strand, the complement: WDR35 is on the minus strand). VCF-style: chr2-19953932-C-T. GRCh37 (hg19) VCF-style: chr2-20153693-C-T.
Other names: c.1335G>A, p.Ser445= (NM_001006657.2); c.1335G>A (NM_001006657.1).
Identifiers: ClinVar variation 2195886 (VCV002195886.5), dbSNP rs765193062, ClinGen allele CA1543264.